The following is an entry in ClinVar:

NM_006904.7(PRKDC):c.11675C>T (p.Thr3892Ile)

Gene: PRKDC (protein kinase, DNA-activated, catalytic subunit; minus strand). Cytogenetic location: 8q11.21.
Variant type: single nucleotide variant.
Coding change: c.11675C>T on transcript NM_006904.7 (MANE Select); coding-DNA position 11675, C replaced by T.
Protein change: p.Thr3892Ile; replaces threonine 3892 with isoleucine.
Molecular consequence: missense variant.
Genome position (GRCh38, 1-based): chr8:47,778,637, G>A on the plus strand (C>T on the coding strand, the complement: PRKDC is on the minus strand). VCF-style: chr8-47778637-G-A. GRCh37 (hg19) VCF-style: chr8-48691198-G-A.
Other names: c.11582C>T, p.Thr3861Ile (NM_001081640.2); short protein forms T3861I, T3892I.
Identifiers: ClinVar variation 1525369 (VCV001525369.3), dbSNP rs374822637, ClinGen allele CA4739013.

ClinVar aggregate classification (germline): Uncertain significance (1 of 4 stars; one submission).

Conditions:
Severe combined immunodeficiency due to DNA-PKcs deficiency. Also called: IMMUNODEFICIENCY 26 WITH NEUROLOGIC ABNORMALITIES; Immunodeficiency 26 with or without neurologic abnormalities. Identifiers: Orphanet 317425, MedGen C4014833, MONDO:0014423, OMIM 615966.

Allele frequency attached by ClinVar (database versions not stated): gnomAD 0.00003 and 0.00004; TOPMed 0.00005; ESP Exome Variant Server 0.00008.
gnomAD v4.1: 59 of 1,613,412 alleles (0.0037%); highest among the groups gnomAD compares: Non-Finnish European, 0.0046%; no homozygotes.

Submission:

Labcorp Genetics (formerly Invitae), Labcorp
Classification: Uncertain significance for Severe combined immunodeficiency due to DNA-PKcs deficiency. Last evaluated: 2021-12-03. Review status: criteria provided, single submitter. Criteria: Invitae Variant Classification Sherloc (09022015). Collection method: clinical testing. Allele origin: germline.
Comment: This sequence change replaces threonine with isoleucine at codon 3892 of the PRKDC protein (p.Thr3892Ile). The threonine residue is moderately conserved and there is a moderate physicochemical difference between threonine and isoleucine. This variant is present in population databases (rs374822637, gnomAD 0.004%). This variant has not been reported in the literature in individuals affected with PRKDC-related conditions. In summary, the available evidence is currently insufficient to determine the role of this variant in disease. Therefore, it has been classified as a Variant of Uncertain Significance.